The following is an entry in ClinVar:

NM_007294.4(BRCA1):c.3538A>T (p.Ser1180Cys)

Genes: BRCA1 (BRCA1 DNA repair associated; minus strand), LOC126862571 (BRD4-independent group 4 enhancer GRCh37_chr17:41243136-41244335; plus strand). Cytogenetic location: 17q21.31.
Variant type: single nucleotide variant.
Coding change: c.3538A>T on transcript NM_007294.4 (MANE Select); coding-DNA position 3538, A replaced by T.
Protein change: p.Ser1180Cys; replaces serine 1180 with cysteine.
Molecular consequence: missense variant. On other transcripts: intron variant (135).
Genome position (GRCh38, 1-based): chr17:43,091,993, T>A on the plus strand (A>T on the coding strand, the complement: BRCA1 is on the minus strand). VCF-style: chr17-43091993-T-A. GRCh37 (hg19) VCF-style: chr17-41244010-T-A.
Other names: c.3271A>T, p.Ser1091Cys (NM_001407930.1, NM_001407931.1, NM_001407932.1 and 2 more transcripts); c.3274A>T, p.Ser1092Cys (NM_001407933.1, NM_001407935.1, NM_001407920.1 and 9 more transcripts); c.3415A>T, p.Ser1139Cys (NM_001407937.1, NM_001407938.1, NM_001407939.1 and 19 more transcripts); c.3412A>T, p.Ser1138Cys (NM_001407940.1, NM_001407649.1, NM_001407670.1 and 11 more transcripts); c.3328A>T, p.Ser1110Cys (NM_001407910.1, NM_001407879.1, NM_001407881.1 and 13 more transcripts); c.3325A>T, p.Ser1109Cys (NM_001407915.1, NM_001407916.1, NM_001407917.1 and 9 more transcripts); c.3538A>T, p.Ser1180Cys (NM_001407625.1, NM_001407626.1, NM_001407639.1 and 30 more transcripts); c.3535A>T, p.Ser1179Cys (NM_001407627.1, NM_001407628.1, NM_001407629.1 and 22 more transcripts); and 41 more; short protein forms S1092C, S1110C, S1112C, S1153C, S1154C, S1179C, S884C, S1012C.
Identifiers: ClinVar variation 5033181 (VCV005033181.1).

ClinVar aggregate classification (germline): Uncertain significance (1 of 4 stars; one submission).

Conditions:
Hereditary cancer-predisposing syndrome. Also called: Neoplastic Syndromes, Hereditary; Tumor predisposition; Hereditary neoplastic syndrome; Hereditary Cancer Syndrome. Identifiers: Orphanet 140162, MedGen C0027672, MeSH D009386, MONDO:0015356.

Submission:

Ambry Genetics
Classification: Uncertain significance for Hereditary cancer-predisposing syndrome. Last evaluated: 2026-07-07. Review status: criteria provided, single submitter. Criteria: Ambry Variant Classification Scheme 2023. Collection method: clinical testing. Allele origin: germline.
Comment: The p.S1180C variant (also known as c.3538A>T), located in coding exon 9 of the BRCA1 gene, results from an A to T substitution at nucleotide position 3538. The serine at codon 1180 is replaced by cysteine, an amino acid with dissimilar properties. This amino acid position is conserved. In addition, the in silico prediction for this alteration is inconclusive. Based on the available evidence, the clinical significance of this variant remains unclear.